The following is an entry in ClinVar:

ClinVar aggregate classification (germline): Pathogenic. Review status: reviewed by expert panel (3 of 4 stars). 2 submissions from 2 submitters: Pathogenic (1). 1 of the submissions does not count toward it. Last evaluated 2017-12-15.

Conditions:
Hereditary breast ovarian cancer syndrome. Also called: Hereditary breast and ovarian cancer syndrome (HBOC); BRCA1- and BRCA2-Associated Hereditary Breast and Ovarian Cancer; Hereditary breast and/or ovarian cancer syndrome; Hereditary breast and ovarian cancer syndrome; Hereditary breast and ovarian cancer; Breast and ovarian cancer. Identifiers: Orphanet 145, MedGen C0677776, MeSH D061325, MONDO:0003582. Disease mechanism: loss of function.
Breast-ovarian cancer, familial, susceptibility to, 1 (BROVCA1). Also called: BRCA1 Hereditary Breast and Ovarian Cancer; OVARIAN CANCER, SUSCEPTIBILITY TO. Identifiers: Orphanet 145, MedGen C2676676, MONDO:0011450, OMIM 604370. Disease mechanism: loss of function.

Submissions (2):

Evidence-based Network for the Interpretation of Germline Mutant Alleles (ENIGMA)
Classification: Pathogenic for Breast-ovarian cancer, familial, susceptibility to, 1. Last evaluated: 2017-12-15. Review status: reviewed by expert panel. Criteria: ENIGMA BRCA1/2 Classification Criteria (2017-06-29). Collection method: curation. Allele origin: germline. Study: ENIGMA.
Comment: Variant allele predicted to encode a truncated non-functional protein.

Research Molecular Genetics Laboratory, Women's College Hospital, University of Toronto
Classification: Pathogenic for Hereditary breast ovarian cancer syndrome. Last evaluated: 2014-01-31. Review status: no assertion criteria provided. Collection method: research. Allele origin: germline. Affected: yes. Study: The Canadian Open Genetics Repository (COGR). Not counted in ClinVar's aggregate classification.

NM_007294.4(BRCA1):c.2038A>T (p.Lys680Ter)

Gene: BRCA1 (BRCA1 DNA repair associated; minus strand). Cytogenetic location: 17q21.31.
Variant type: single nucleotide variant.
Coding change: c.2038A>T on transcript NM_007294.4 (MANE Select); coding-DNA position 2038, A replaced by T.
Protein change: p.Lys680Ter; replaces lysine 680 with a stop codon.
Molecular consequence: nonsense. On other transcripts: intron variant (137).
Genome position (GRCh38, 1-based): chr17:43,093,493, T>A on the plus strand (A>T on the coding strand, the complement: BRCA1 is on the minus strand). VCF-style: chr17-43093493-T-A. GRCh37 (hg19) VCF-style: chr17-41245510-T-A.
Other names: c.643+1251A>T (NM_001408468.1, NM_001408465.1, NM_001408463.1 and 3 more transcripts); c.523+1251A>T (NM_001408501.1, NM_001408500.1, NM_001408497.1 and 3 more transcripts); c.646+1251A>T (NM_001408455.1, NM_001408466.1, NM_001408452.1 and 11 more transcripts); c.577+1251A>T (NM_001408513.1, NM_001408489.1, NM_001408479.1 and 9 more transcripts); c.520+1251A>T (NM_001408503.1, NM_001408505.1, NM_001408504.1); c.787+1251A>T (NM_001407973.1, NM_001408403.1, NM_001407983.1 and 19 more transcripts); c.404-2461A>T (NM_001408511.1); c.460+2353A>T (NM_001408507.1, NM_001408506.1); and 40 more; short protein forms K680*, K633*, K552*, K569*, K592*, K613*, K632*, K639*.
Identifiers: ClinVar variation 431222 (VCV000431222.2), dbSNP rs1135401850, ClinGen allele CA10597932.
Genomic context (GRCh38, chr17:43,093,493, plus strand): 5'-GCTCTGGGAAAGTATCGCTGTCATGTCTTTTACTTGTCTGTTCATTTGGCTTGTTACTCT[T>A]CTTGGCTCCAGTTGCAGGTTCTTTACCTTCCATGAGTTGTAGGTTTCTGCTGTGCCTGAC-3'